The following is an entry in ClinVar:

ClinVar aggregate classification (germline): Uncertain significance (1 of 4 stars; one submission).

Allele frequency attached by ClinVar (database versions not stated): gnomAD exomes 0.00001; ESP Exome Variant Server 0.00008.
gnomAD v4.1: 9 of 1,548,990 alleles (0.00058%); highest among the groups gnomAD compares: Non-Finnish European, 0.00079%; no homozygotes.

Submission:

Labcorp Genetics (formerly Invitae), Labcorp
Classification: Uncertain significance. Last evaluated: 2023-08-21. Review status: criteria provided, single submitter. Criteria: Invitae Variant Classification Sherloc (09022015). Collection method: clinical testing. Allele origin: germline.
Comment: This sequence change replaces glycine, which is neutral and non-polar, with serine, which is neutral and polar, at codon 992 of the CACNA1E protein (p.Gly992Ser). This variant is not present in population databases (gnomAD no frequency). This variant has not been reported in the literature in individuals affected with CACNA1E-related conditions. Advanced modeling of protein sequence and biophysical properties (such as structural, functional, and spatial information, amino acid conservation, physicochemical variation, residue mobility, and thermodynamic stability) has been performed at Invitae for this missense variant, however the output from this modeling did not meet the statistical confidence thresholds required to predict the impact of this variant on CACNA1E protein function. In summary, the available evidence is currently insufficient to determine the role of this variant in disease. Therefore, it has been classified as a Variant of Uncertain Significance.

NM_001205293.3(CACNA1E):c.2974G>A (p.Gly992Ser)

Gene: CACNA1E (calcium voltage-gated channel subunit alpha1 E; plus strand). Cytogenetic location: 1q25.3.
Variant type: single nucleotide variant.
Coding change: c.2974G>A on transcript NM_001205293.3 (MANE Select); coding-DNA position 2974, G replaced by A.
Protein change: p.Gly992Ser; replaces glycine 992 with serine.
Molecular consequence: missense variant.
Genome position (GRCh38, 1-based): chr1:181,733,462, G>A. VCF-style: chr1-181733462-G-A. GRCh37 (hg19) VCF-style: chr1-181702598-G-A.
Other names: c.2974G>A, p.Gly992Ser (NM_000721.4); c.2917G>A, p.Gly973Ser (NM_001205294.2); short protein forms G973S, G992S.
Identifiers: ClinVar variation 2750711 (VCV002750711.3), dbSNP rs367915995, ClinGen allele CA33816377.